The following is an entry in ClinVar:

NM_001690.4(ATP6V1A):c.255C>T (p.Pro85=)

Gene: ATP6V1A (ATPase H+ transporting V1 subunit A; plus strand). Cytogenetic location: 3q13.31.
Variant type: single nucleotide variant.
Coding change: c.255C>T on transcript NM_001690.4 (MANE Select); coding-DNA position 255, C replaced by T.
Protein change: p.Pro85=; no amino-acid change (proline 85 retained).
Molecular consequence: synonymous variant.
Genome position (GRCh38, 1-based): chr3:113,784,267, C>T. VCF-style: chr3-113784267-C-T. GRCh37 (hg19) VCF-style: chr3-113503114-C-T.
Identifiers: ClinVar variation 2988614 (VCV002988614.3), dbSNP rs2549719185, ClinGen allele CA434945103.

ClinVar aggregate classification (germline): Uncertain significance (1 of 4 stars; one submission).

Allele frequency attached by ClinVar (database versions not stated): gnomAD exomes below 0.00001.
gnomAD v4.1: 3 of 1,614,148 alleles (0.00019%); highest among the groups gnomAD compares: Non-Finnish European, 0.00025%; no homozygotes.

Submission:

Labcorp Genetics (formerly Invitae), Labcorp
Classification: Uncertain significance. Last evaluated: 2023-11-28. Review status: criteria provided, single submitter. Criteria: Invitae Variant Classification Sherloc (09022015). Collection method: clinical testing. Allele origin: germline.
Comment: This sequence change affects codon 85 of the ATP6V1A mRNA. It is a 'silent' change, meaning that it does not change the encoded amino acid sequence of the ATP6V1A protein. This variant is not present in population databases (gnomAD no frequency). This variant has not been reported in the literature in individuals affected with ATP6V1A-related conditions. Algorithms developed to predict the effect of sequence changes on RNA splicing suggest that this variant may create or strengthen a splice site. In summary, the available evidence is currently insufficient to determine the role of this variant in disease. Therefore, it has been classified as a Variant of Uncertain Significance.